The following is an entry in ClinVar:

ClinVar aggregate classification (germline): Uncertain significance (1 of 4 stars; one submission).

Conditions:
Familial thoracic aortic aneurysm and aortic dissection (TAAD). Also called: Thoracic aortic aneurysms and dissections. Identifiers: Orphanet 91387, MedGen C4707243, MONDO:0019625.

Allele frequency attached by ClinVar (database versions not stated): TOPMed below 0.00001.

Submission:

Ambry Genetics
Classification: Uncertain significance for Familial thoracic aortic aneurysm and aortic dissection. Last evaluated: 2021-07-07. Review status: criteria provided, single submitter. Criteria: Ambry Variant Classification Scheme 2023. Collection method: clinical testing. Allele origin: germline.
Comment: The p.A386T variant (also known as c.1156G>A), located in coding exon 11 of the PLOD1 gene, results from a G to A substitution at nucleotide position 1156. The alanine at codon 386 is replaced by threonine, an amino acid with similar properties. This amino acid position is conserved. In addition, the in silico prediction for this alteration is inconclusive. Since supporting evidence is limited at this time, the clinical significance of this alteration remains unclear.

NM_000302.4(PLOD1):c.1156G>A (p.Ala386Thr)

Gene: PLOD1 (procollagen-lysine,2-oxoglutarate 5-dioxygenase 1; plus strand). Cytogenetic location: 1p36.22.
Variant type: single nucleotide variant.
Coding change: c.1156G>A on transcript NM_000302.4 (MANE Select); coding-DNA position 1156, G replaced by A.
Protein change: p.Ala386Thr; replaces alanine 386 with threonine.
Molecular consequence: missense variant.
Genome position (GRCh38, 1-based): chr1:11,963,590, G>A. VCF-style: chr1-11963590-G-A. GRCh37 (hg19) VCF-style: chr1-12023647-G-A.
Other names: c.1297G>A, p.Ala433Thr (NM_001316320.2); short protein forms A433T, A386T.
Identifiers: ClinVar variation 1735463 (VCV001735463.2), dbSNP rs1645794000, ClinGen allele CA338440098.